The following is an entry in ClinVar:

ClinVar aggregate classification (germline): Uncertain significance (1 of 4 stars; one submission).

Conditions:
Carpenter syndrome. Identifiers: Orphanet 65759, MedGen C1275078, MONDO:0019012.

Allele frequency attached by ClinVar (database versions not stated): gnomAD exomes below 0.00001.
gnomAD v4.1: 3 of 1,614,026 alleles (0.00019%); highest among the groups gnomAD compares: Non-Finnish European, 0.00025%; no homozygotes.

Submission:

Labcorp Genetics (formerly Invitae), Labcorp
Classification: Uncertain significance for Carpenter syndrome. Last evaluated: 2021-09-08. Review status: criteria provided, single submitter. Criteria: Invitae Variant Classification Sherloc (09022015). Collection method: clinical testing. Allele origin: germline.
Comment: This sequence change replaces serine with phenylalanine at codon 197 of the RAB23 protein (p.Ser197Phe). The serine residue is moderately conserved and there is a large physicochemical difference between serine and phenylalanine. This variant is not present in population databases (ExAC no frequency). This variant has not been reported in the literature in individuals affected with RAB23-related conditions. Algorithms developed to predict the effect of missense changes on protein structure and function are either unavailable or do not agree on the potential impact of this missense change (SIFT: "Deleterious"; PolyPhen-2: "Benign"; Align-GVGD: "Class C15"). In summary, the available evidence is currently insufficient to determine the role of this variant in disease. Therefore, it has been classified as a Variant of Uncertain Significance.

NM_016277.5(RAB23):c.590C>T (p.Ser197Phe)

Gene: RAB23 (RAB23, member RAS oncogene family; minus strand). Cytogenetic location: 6p12.1.
Variant type: single nucleotide variant.
Coding change: c.590C>T on transcript NM_016277.5 (MANE Select); coding-DNA position 590, C replaced by T.
Protein change: p.Ser197Phe; replaces serine 197 with phenylalanine.
Molecular consequence: missense variant. On other transcripts: non-coding transcript variant (1).
Genome position (GRCh38, 1-based): chr6:57,190,585, G>A on the plus strand (C>T on the coding strand, the complement: RAB23 is on the minus strand). VCF-style: chr6-57190585-G-A. GRCh37 (hg19) VCF-style: chr6-57055383-G-A.
Other names: c.590C>T, p.Ser197Phe (NM_001278666.2, NM_001278667.2, NM_001278668.2 and 1 more transcripts); short protein forms S197F.
Identifiers: ClinVar variation 1354497 (VCV001354497.3), dbSNP rs2127996379, ClinGen allele CA364625488.